The following is an entry in ClinVar:

NM_001164508.2(NEB):c.22384dup (p.Arg7462fs)

Genes: NEB (nebulin; minus strand), RIF1 (replication timing regulatory factor 1; plus strand). Cytogenetic location: 2q23.3.
Variant type: Duplication.
Coding change: c.22384dup on transcript NM_001164508.2 (MANE Select); coding-DNA position 22384, one base duplicated (A; older notation c.22384dupA).
Protein change: p.Arg7462fs; shifts the reading frame from arginine 7462.
Molecular consequence: frameshift variant.
Genome position (GRCh38, 1-based): chr2:151,524,406, T duplicated on the plus strand (A on the coding strand, the reverse complement: NEB is on the minus strand). VCF-style (leftmost placement, unchanged base first): chr2-151524405-C-CT. GRCh37 (hg19) VCF-style: chr2-152380919-C-CT.
Other names: c.22384dup, p.Arg7462fs (NM_001164507.2); c.22489dup, p.Arg7497fs (NM_001271208.2); c.17281dup, p.Arg5761fs (NM_004543.5); short protein forms R5761fs, R7462fs, R7497fs.
Identifiers: ClinVar variation 5011988 (VCV005011988.1).
Genomic context (GRCh38, chr2:151,524,405, plus strand): 5'-TCTATGTCTGGGCGACCGAGCATGCTTAAGCCATGGCTGCCTTCCTTGCGGTGCTTGGCT[C>CT]TGTACTCCACCTGAATCAGAGAAAACCAAAATGGGCAACAGGTGATGGTTGCCTGGCATG-3'

ClinVar aggregate classification (germline): Pathogenic (1 of 4 stars; one submission).

Conditions:
Nemaline myopathy 2 (NEM2). Also called: Nemaline myopathy 2, autosomal recessive. Identifiers: MedGen C1850569, MONDO:0009725, OMIM 256030.

Submission:

Myriad Genetics, Inc.
Classification: Pathogenic for Nemaline myopathy 2. Last evaluated: 2023-09-27. Review status: criteria provided, single submitter. Criteria: Myriad Autosomal Dominant, Autosomal Recessive and X-Linked Classification Criteria (2023). Collection method: clinical testing. Allele origin: unknown.
Comment: NM_001271208.1(NEB):c.22489dupA(R7497Kfs*34) is expected to be pathogenic in the context of NEB-related nemaline myopathy. This variant is predicted to lead to an abnormal or absent protein product due to the creation of a premature termination codon in NEB, a gene where loss-of-function variants are known to be pathogenic. Please note: this variant was assessed in the context of healthy population screening.